The following is an entry in ClinVar:

ClinVar aggregate classification (germline): Uncertain significance. Review status: criteria provided, multiple submitters, no conflicts (2 of 4 stars). 2 submissions from 2 submitters: Uncertain significance (2). Last evaluated 2025-10-15.

Conditions:
Inborn genetic diseases. Identifiers: MedGen C0950123, MeSH D030342.
Deafness-lymphedema-leukemia syndrome. Also called: Emberger syndrome; Lymphedema, primary, with myelodysplasia. Identifiers: Orphanet 3226, MedGen C3279664, MONDO:0013540, OMIM 614038.
Monocytopenia with susceptibility to infections. Also called: IMMUNODEFICIENCY 21; GATA2 DEFICIENCY; MONOCYTOPENIA AND MYCOBACTERIAL INFECTION SYNDROME; MONOCYTOPENIA WITH SUSCEPTIBILITY TO MYCOBACTERIAL, FUNGAL, AND PAPILLOMAVIRUS INFECTIONS AND MYELODYSPLASIA; COMBINED IMMUNODEFICIENCY WITH SUSCEPTIBILITY TO MYCOBACTERIAL, VIRAL, AND FUNGAL INFECTIONS; Dendritic cell, monocyte, B lymphocyte, and natural killer lymphocyte deficiency. Identifiers: Orphanet 228423, MedGen C3280030, MONDO:0013607, OMIM 614172.

Submissions (2):

Ambry Genetics
Classification: Uncertain significance for Inborn genetic diseases. Last evaluated: 2025-10-15. Review status: criteria provided, single submitter. Criteria: Ambry Variant Classification Scheme 2023. Collection method: clinical testing. Allele origin: germline.
Comment: The p.V181L variant (also known as c.541G>C), located in coding exon 2 of the GATA2 gene, results from a G to C substitution at nucleotide position 541. The valine at codon 181 is replaced by leucine, an amino acid with highly similar properties. This amino acid position is conserved. In addition, the in silico prediction for this alteration is inconclusive. Based on the available evidence, the clinical significance of this variant remains unclear.

Labcorp Genetics (formerly Invitae), Labcorp
Classification: Uncertain significance for Monocytopenia with susceptibility to infections; Deafness-lymphedema-leukemia syndrome. Last evaluated: 2020-12-23. Review status: criteria provided, single submitter. Criteria: Invitae Variant Classification Sherloc (09022015). Collection method: clinical testing. Allele origin: germline.
Comment: Advanced modeling of protein sequence and biophysical properties (such as structural, functional, and spatial information, amino acid conservation, physicochemical variation, residue mobility, and thermodynamic stability) performed at Invitae indicates that this missense variant is not expected to disrupt GATA2 protein function. In summary, the available evidence is currently insufficient to determine the role of this variant in disease. Therefore, it has been classified as a Variant of Uncertain Significance. This variant has not been reported in the literature in individuals with GATA2-related conditions. This variant is not present in population databases (ExAC no frequency). This sequence change replaces valine with leucine at codon 181 of the GATA2 protein (p.Val181Leu). The valine residue is moderately conserved and there is a small physicochemical difference between valine and leucine.

NM_032638.5(GATA2):c.541G>C (p.Val181Leu)

Gene: GATA2 (GATA binding protein 2; minus strand). Cytogenetic location: 3q21.3.
Variant type: single nucleotide variant.
Coding change: c.541G>C on transcript NM_032638.5 (MANE Select); coding-DNA position 541, G replaced by C.
Protein change: p.Val181Leu; replaces valine 181 with leucine.
Molecular consequence: missense variant.
Genome position (GRCh38, 1-based): chr3:128,486,057, C>G on the plus strand (G>C on the coding strand, the complement: GATA2 is on the minus strand). VCF-style: chr3-128486057-C-G. GRCh37 (hg19) VCF-style: chr3-128204900-C-G.
Other names: c.541G>C (NM_032638.4); c.541G>C, p.Val181Leu (NM_001145661.2, NM_001145662.1); short protein forms V181L.
Identifiers: ClinVar variation 1359463 (VCV001359463.9), dbSNP rs1060500093, ClinGen allele CA354406555.